The following is an entry in ClinVar:

NM_000535.7(PMS2):c.1231G>T (p.Glu411Ter)

Gene: PMS2 (PMS1 homolog 2, mismatch repair system component; minus strand). Cytogenetic location: 7p22.1.
Variant type: single nucleotide variant.
Coding change: c.1231G>T on transcript NM_000535.7 (MANE Select); coding-DNA position 1231, G replaced by T.
Protein change: p.Glu411Ter; replaces glutamic acid 411 with a stop codon.
Molecular consequence: nonsense. On other transcripts: non-coding transcript variant (1).
Genome position (GRCh38, 1-based): chr7:5,987,534, C>A on the plus strand (G>T on the coding strand, the complement: PMS2 is on the minus strand). VCF-style: chr7-5987534-C-A. GRCh37 (hg19) VCF-style: chr7-6027165-C-A.
Other names: c.1231G>T, p.Glu411Ter (NM_001322014.2, NM_001406871.1, NM_001406872.1); c.922G>T, p.Glu308Ter (NM_001322015.2, NM_001406875.1, NM_001406877.1 and 5 more transcripts); c.1123G>T, p.Glu375Ter (NM_001406869.1); c.1417G>T, p.Glu473Ter (NM_001406866.1); c.1255G>T, p.Glu419Ter (NM_001406868.1); c.1075G>T, p.Glu359Ter (NM_001406870.1, NM_001322006.2); c.1033G>T, p.Glu345Ter (NM_001406873.1); c.1063G>T, p.Glu355Ter (NM_001406874.1); and 12 more; short protein forms E154*, E220*, E240*, E355*, E359*, E411*, E473*, E100*.
Identifiers: ClinVar variation 1755756 (VCV001755756.3), dbSNP rs1159969834, ClinGen allele CA366742517.
Genomic context (GRCh38, chr7:5,987,534, plus strand): 5'-CTGTTGTGTGACGAAGAGAAAAGGCCTCTCGCAGTCTGGAAATGGACACGTCTTTTTTTT[C>A]TTCTCCAGTCCTTAATGAAGGGGATTGATCCTGCTTTTCTACCATGGGCTTTTCCAAATC-3'

ClinVar aggregate classification (germline): Pathogenic/Likely pathogenic. Review status: criteria provided, multiple submitters, no conflicts (2 of 4 stars). 2 submissions from 2 submitters: Pathogenic (1); Likely pathogenic (1). Last evaluated 2020-11-16.

Conditions:
Hereditary cancer-predisposing syndrome. Also called: Neoplastic Syndromes, Hereditary; Tumor predisposition; Hereditary Cancer Syndrome; Hereditary neoplastic syndrome. Identifiers: Orphanet 140162, MedGen C0027672, MeSH D009386, MONDO:0015356.
Lynch syndrome. Identifiers: Orphanet 144, MedGen C4552100, MONDO:0005835. Disease mechanism: loss of function.

Submissions (2):

Ambry Genetics
Classification: Pathogenic for Hereditary cancer-predisposing syndrome. Last evaluated: 2020-11-16. Review status: criteria provided, single submitter. Criteria: Ambry Variant Classification Scheme 2023. Collection method: clinical testing. Allele origin: germline.
Comment: The p.E411* pathogenic mutation (also known as c.1231G>T), located in coding exon 11 of the PMS2 gene, results from a G to T substitution at nucleotide position 1231. This changes the amino acid from a glutamic acid to a stop codon within coding exon 11. This alteration is expected to result in loss of function by premature protein truncation or nonsense-mediated mRNA decay. As such, this alteration is interpreted as a disease-causing mutation.

Laboratory for Molecular Medicine, Mass General Brigham Personalized Medicine
Classification: Likely pathogenic for Lynch syndrome. Last evaluated: 2019-04-02. Review status: criteria provided, single submitter. Criteria: ACMG Guidelines, 2015. Collection method: clinical testing. Allele origin: germline. Inheritance: Autosomal dominant inheritance.
Comment: The p.Glu411X variant in PMS2 has not been previously reported in individuals with Lynch syndrome but has been identified in 1/113484 European chromosomes by gnomAD. This nonsense variant leads to a premature termination codon at position 411, which is predicted to lead to a truncated or absent protein. Loss of function of the PMS2 gene is an established disease mechanism in autosomal dominant Lynch syndrome. In summary, although additional studies are required to fully establish its clinical significance, this variant meets criteria to be classified as likely pathogenic for autosomal dominant Lynch syndrome. ACMG/AMP Criteria applied: PVS1, PM2.